The following is an entry in ClinVar:

NM_000135.4(FANCA):c.3236A>C (p.Lys1079Thr)

Gene: FANCA (FA complementation group A; minus strand). Cytogenetic location: 16q24.3.
Variant type: single nucleotide variant.
Coding change: c.3236A>C on transcript NM_000135.4 (MANE Select); coding-DNA position 3236, A replaced by C.
Protein change: p.Lys1079Thr; replaces lysine 1079 with threonine.
Molecular consequence: missense variant.
Genome position (GRCh38, 1-based): chr16:89,749,733, T>G on the plus strand (A>C on the coding strand, the complement: FANCA is on the minus strand). VCF-style: chr16-89749733-T-G. GRCh37 (hg19) VCF-style: chr16-89816141-T-G.
Other names: c.3236A>C, p.Lys1079Thr (NM_001286167.3); short protein forms K1079T.
Identifiers: ClinVar variation 4022231 (VCV004022231.1).
Genomic context (GRCh38, chr16:89,749,733, plus strand): 5'-ATGAGATGCTGCCCTGCCCAGGTGGTGCTGCCCTGCCCAGGTGGTAGTAGGTGTTACCGT[T>G]TGTACATTAGCAGCTCCCTCTGTCTCTGAAGGCTGGCAGCCACGCTCCACCCGCTTGTCA-3'
Protein context (NP_000126.2, residues 1069-1089): LQRQRELLMY[Lys1079Thr]RILLRLPSSV

ClinVar aggregate classification (germline): Uncertain significance (1 of 4 stars; one submission).

Conditions:
Inborn genetic diseases. Identifiers: MedGen C0950123, MeSH D030342.

Submission:

Ambry Genetics
Classification: Uncertain significance for Inborn genetic diseases. Last evaluated: 2025-05-02. Review status: criteria provided, single submitter. Criteria: Ambry Variant Classification Scheme 2023. Collection method: clinical testing. Allele origin: germline.
Comment: The p.K1079T variant (also known as c.3236A>C), located in coding exon 32 of the FANCA gene, results from an A to C substitution at nucleotide position 3236. The lysine at codon 1079 is replaced by threonine, an amino acid with similar properties. This amino acid position is conserved. In addition, this alteration is predicted to be tolerated by in silico analysis. Based on the available evidence, the clinical significance of this variant remains unclear.